The following is an entry in ClinVar:

ClinVar aggregate classification (germline): Uncertain significance. Review status: criteria provided, multiple submitters, no conflicts (2 of 4 stars). 3 submissions from 3 submitters: Uncertain significance (3). Last evaluated 2023-01-10.

Conditions:
Autosomal dominant nonsyndromic hearing loss 1. Also called: DEAFNESS, AUTOSOMAL DOMINANT 1, WITH OR WITHOUT THROMBOCYTOPENIA; KONIGSMARK SYNDROME. Identifiers: Orphanet 90635, MedGen C1852282, MONDO:0007424, OMIM 124900.
Progressive microcephaly-seizures-cortical blindness-developmental delay syndrome. Also called: Seizures, cortical blindness, and microcephaly syndrome. Identifiers: Orphanet 477814, MedGen C5567650, MONDO:0014714, OMIM 616632.

Allele frequency attached by ClinVar (database versions not stated): gnomAD exomes below 0.00001; ExAC 0.00001.
gnomAD v4.1: 5 of 1,614,150 alleles (0.00031%); highest among the groups gnomAD compares: African/African-American, 0.0013%; no homozygotes.

Submissions (3):

GeneDx
Classification: Uncertain significance. Last evaluated: 2023-01-10. Review status: criteria provided, single submitter. Criteria: GeneDx Variant Classification Process June 2021. Collection method: clinical testing. Allele origin: germline. Affected: yes.
Comment: Not observed at significant frequency in large population cohorts (gnomAD); In silico analysis supports that this missense variant has a deleterious effect on protein structure/function; Has not been previously published as pathogenic or benign to our knowledge

Blueprint Genetics
Classification: Uncertain significance. Last evaluated: 2021-09-16. Review status: criteria provided, single submitter. Criteria: ACMG Guidelines, 2015. Collection method: clinical testing. Allele origin: germline.

Labcorp Genetics (formerly Invitae), Labcorp
Classification: Uncertain significance for Progressive microcephaly-seizures-cortical blindness-developmental delay syndrome; Autosomal dominant nonsyndromic hearing loss 1. Last evaluated: 2021-07-15. Review status: criteria provided, single submitter. Criteria: Invitae Variant Classification Sherloc (09022015). Collection method: clinical testing. Allele origin: germline.
Comment: Algorithms developed to predict the effect of missense changes on protein structure and function are either unavailable or do not agree on the potential impact of this missense change (SIFT: "Deleterious"; PolyPhen-2: "Probably Damaging"; Align-GVGD: "Class C0"). In summary, the available evidence is currently insufficient to determine the role of this variant in disease. Therefore, it has been classified as a Variant of Uncertain Significance. This sequence change replaces asparagine with isoleucine at codon 882 of the DIAPH1 protein (p.Asn882Ile). The asparagine residue is moderately conserved and there is a large physicochemical difference between asparagine and isoleucine. This variant is present in population databases (rs750058263, ExAC 0.001%). This variant has not been reported in the literature in individuals affected with DIAPH1-related conditions.

NM_005219.5(DIAPH1):c.2645A>T (p.Asn882Ile)

Gene: DIAPH1 (diaphanous related formin 1; minus strand). Cytogenetic location: 5q31.3.
Variant type: single nucleotide variant.
Coding change: c.2645A>T on transcript NM_005219.5 (MANE Select); coding-DNA position 2645, A replaced by T.
Protein change: p.Asn882Ile; replaces asparagine 882 with isoleucine.
Molecular consequence: missense variant.
Genome position (GRCh38, 1-based): chr5:141,529,634, T>A on the plus strand (A>T on the coding strand, the complement: DIAPH1 is on the minus strand). VCF-style: chr5-141529634-T-A. GRCh37 (hg19) VCF-style: chr5-140909201-T-A.
Other names: c.2618A>T, p.Asn873Ile (NM_001079812.3); c.2645A>T, p.Asn882Ile (NM_001314007.2); c.2645A>T (NM_005219.4); short protein forms N873I, N882I.
Identifiers: ClinVar variation 1381486 (VCV001381486.9), dbSNP rs750058263, ClinGen allele CA3478989.